The following is an entry in ClinVar:

ClinVar aggregate classification (germline): Uncertain significance (1 of 4 stars; one submission).

Conditions:
Myofibrillar myopathy 5. Also called: Filaminopathy (type); FILAMINOPATHY, AUTOSOMAL DOMINANT. Identifiers: Orphanet 171445, MedGen C1836050, MONDO:0012289, OMIM 609524.
Hypertrophic cardiomyopathy 26. Also called: Cardiomyopathy, familial hypertrophic, 26. Identifiers: Orphanet 75249, MedGen C4310749, MONDO:0014883, OMIM 617047.
Distal myopathy with posterior leg and anterior hand involvement. Also called: WILLIAMS DISTAL MYOPATHY. Identifiers: Orphanet 63273, MedGen C3279722, MONDO:0013550, OMIM 614065.

Allele frequency attached by ClinVar (database versions not stated): gnomAD exomes below 0.00001.
gnomAD v4.1: 1 of 1,611,686 alleles (0.000062%); highest among the groups gnomAD compares: Non-Finnish European, 0.000085%; no homozygotes.

Submission:

Labcorp Genetics (formerly Invitae), Labcorp
Classification: Uncertain significance for Distal myopathy with posterior leg and anterior hand involvement; Myofibrillar myopathy 5; Hypertrophic cardiomyopathy 26. Last evaluated: 2025-04-08. Review status: criteria provided, single submitter. Criteria: Invitae Variant Classification Sherloc (09022015). Collection method: clinical testing. Allele origin: germline.
Comment: This sequence change replaces threonine, which is neutral and polar, with isoleucine, which is neutral and non-polar, at codon 1351 of the FLNC protein (p.Thr1351Ile). This variant is not present in population databases (gnomAD no frequency). This variant has not been reported in the literature in individuals affected with FLNC-related conditions. ClinVar contains an entry for this variant (Variation ID: 656551). Invitae Evidence Modeling of protein sequence and biophysical properties (such as structural, functional, and spatial information, amino acid conservation, physicochemical variation, residue mobility, and thermodynamic stability) has been performed for this missense variant. However, the output from this modeling did not meet the statistical confidence thresholds required to predict the impact of this variant on FLNC protein function. In summary, the available evidence is currently insufficient to determine the role of this variant in disease. Therefore, it has been classified as a Variant of Uncertain Significance.

NM_001458.5(FLNC):c.4052C>T (p.Thr1351Ile)

Gene: FLNC (filamin C; plus strand). Cytogenetic location: 7q32.1.
Variant type: single nucleotide variant.
Coding change: c.4052C>T on transcript NM_001458.5 (MANE Select); coding-DNA position 4052, C replaced by T.
Protein change: p.Thr1351Ile; replaces threonine 1351 with isoleucine.
Molecular consequence: missense variant.
Genome position (GRCh38, 1-based): chr7:128,846,388, C>T. VCF-style: chr7-128846388-C-T. GRCh37 (hg19) VCF-style: chr7-128486442-C-T.
Other names: c.4052C>T, p.Thr1351Ile (NM_001127487.2); short protein forms T1351I.
Identifiers: ClinVar variation 656551 (VCV000656551.9), dbSNP rs1585161671, ClinGen allele CA369199023.